The following is an entry in ClinVar:

ClinVar aggregate classification (germline): Uncertain significance (1 of 4 stars; one submission).

Conditions:
Xanthinuria type II. Also called: Xanthine dehydrogenase and aldehyde oxidase combined deficiency of; XDH and AOX dual deficiency. Identifiers: Orphanet 3467, Orphanet 93602, MedGen C1863688, MONDO:0011346, OMIM 603592.

Submission:

Labcorp Genetics (formerly Invitae), Labcorp
Classification: Uncertain significance for Xanthinuria type II. Last evaluated: 2022-03-19. Review status: criteria provided, single submitter. Criteria: Invitae Variant Classification Sherloc (09022015). Collection method: clinical testing. Allele origin: germline.
Comment: In summary, the available evidence is currently insufficient to determine the role of this variant in disease. Therefore, it has been classified as a Variant of Uncertain Significance. Experimental studies and prediction algorithms are not available or were not evaluated, and the functional significance of this variant is currently unknown. This variant has not been reported in the literature in individuals affected with XDH-related conditions. This variant is a gross deletion of the genomic region encompassing exon(s) 24 of the XDH gene. This variant would be expected to be in-frame, preserving the integrity of the reading frame.

NC_000002.11:g.(?_31587004)_(31587130_?)del

Gene: XDH (xanthine dehydrogenase; minus strand). Cytogenetic location: 2p23.1.
Variant type: Deletion.
Identifiers: ClinVar variation 2422982 (VCV002422982.4).